The following is an entry in ClinVar:

NM_001244926.2(PRPF4):c.638T>C (p.Leu213Pro)

Gene: PRPF4 (pre-mRNA splicing tri-snRNP complex factor PRPF4; plus strand). Cytogenetic location: 9q32.
Variant type: single nucleotide variant.
Coding change: c.638T>C on transcript NM_001244926.2 (MANE Select); coding-DNA position 638, T replaced by C.
Protein change: p.Leu213Pro; replaces leucine 213 with proline.
Molecular consequence: missense variant. On other transcripts: 5 prime UTR variant (2), non-coding transcript variant (2).
Genome position (GRCh38, 1-based): chr9:113,283,466, T>C. VCF-style: chr9-113283466-T-C. GRCh37 (hg19) VCF-style: chr9-116045746-T-C.
Other names: c.-128T>C (NM_001322266.2, NM_001322267.2); c.641T>C, p.Leu214Pro (NM_004697.5); short protein forms L213P, L214P.
Identifiers: ClinVar variation 1419282 (VCV001419282.8), dbSNP rs1564249796, ClinGen allele CA374553270.

ClinVar aggregate classification (germline): Uncertain significance (1 of 4 stars; one submission).

Allele frequency attached by ClinVar (database versions not stated): gnomAD exomes below 0.00001; gnomAD 0.00001; TOPMed 0.00001.

Submission:

Labcorp Genetics (formerly Invitae), Labcorp
Classification: Uncertain significance. Last evaluated: 2023-07-07. Review status: criteria provided, single submitter. Criteria: Invitae Variant Classification Sherloc (09022015). Collection method: clinical testing. Allele origin: germline.
Comment: This sequence change replaces leucine, which is neutral and non-polar, with proline, which is neutral and non-polar, at codon 214 of the PRPF4 protein (p.Leu214Pro). This variant is not present in population databases (gnomAD no frequency). This variant has not been reported in the literature in individuals affected with PRPF4-related conditions. ClinVar contains an entry for this variant (Variation ID: 1419282). An algorithm developed to predict the effect of missense changes on protein structure and function (PolyPhen-2) suggests that this variant is likely to be disruptive. In summary, the available evidence is currently insufficient to determine the role of this variant in disease. Therefore, it has been classified as a Variant of Uncertain Significance.